The following is an entry in ClinVar:

ClinVar aggregate classification (germline): Likely benign (1 of 4 stars; one submission).

Submission:

CeGaT Center for Human Genetics Tuebingen
Classification: Likely benign. Last evaluated: 2026-05-01. Review status: criteria provided, single submitter. Criteria: CeGaT Center For Human Genetics Tuebingen Variant Classification Criteria Version 2. Collection method: clinical testing. Allele origin: germline. Affected: yes. Observed: 1 variant allele.
Comment: AHNAK2: PM2, BS2

NM_138420.4(AHNAK2):c.6998_6999delinsCA (p.Leu2333Pro)

Gene: AHNAK2 (AHNAK nucleoprotein 2; minus strand). Cytogenetic location: 14q32.33.
Variant type: Indel.
Coding change: c.6998_6999delinsCA on transcript NM_138420.4 (MANE Select); coding-DNA positions 6998 to 6999, TT replaced by CA.
Protein change: p.Leu2333Pro; replaces leucine 2333 with proline.
Molecular consequence: missense variant.
Genome position (GRCh38, 1-based): chr14:104,948,452-104,948,453, AA replaced by TG on the plus strand (TT replaced by CA on the coding strand, the reverse complement: AHNAK2 is on the minus strand). VCF-style: chr14-104948452-AA-TG. GRCh37 (hg19) VCF-style: chr14-105414789-AA-TG.
Other names: c.6698_6699delinsCA, p.Leu2233Pro (NM_001350929.2); short protein forms L2233P, L2333P.
Identifiers: ClinVar variation 4874603 (VCV004874603.2).